The following is an entry in ClinVar:

ClinVar aggregate classification (germline): Uncertain significance (1 of 4 stars; one submission).

Submission:

GeneDx
Classification: Uncertain significance. Last evaluated: 2022-11-23. Review status: criteria provided, single submitter. Criteria: GeneDx Variant Classification Process June 2021. Collection method: clinical testing. Allele origin: germline. Affected: yes.
Comment: In silico analysis supports that this missense variant does not alter protein structure/function; Not observed at significant frequency in large population cohorts (gnomAD); Has not been previously published as pathogenic or benign to our knowledge

NM_018847.4(KLHL9):c.560C>G (p.Thr187Ser)

Gene: KLHL9 (kelch like family member 9; minus strand). Cytogenetic location: 9p21.3.
Variant type: single nucleotide variant.
Coding change: c.560C>G on transcript NM_018847.4 (MANE Select); coding-DNA position 560, C replaced by G.
Protein change: p.Thr187Ser; replaces threonine 187 with serine.
Molecular consequence: missense variant.
Genome position (GRCh38, 1-based): chr9:21,334,300, G>C on the plus strand (C>G on the coding strand, the complement: KLHL9 is on the minus strand). VCF-style: chr9-21334300-G-C. GRCh37 (hg19) VCF-style: chr9-21334299-G-C.
Other names: short protein forms T187S.
Identifiers: ClinVar variation 429781 (VCV000429781.3), dbSNP rs780821611, ClinGen allele CA373072237.
Genomic context (GRCh38, chr9:21,334,300, plus strand): 5'-AGACTATTACTGGAAAGCACAAATGCAAGTCGTTCAAAAGGGAGTTTTAGAAACTCCCCA[G>C]TACTCAATAAAGCAGGAAAGTTCTTCAGGATGAAATTATTAACATATTTATCCACTTCTA-3'
Protein context (NP_061335.1, residues 177-197): ILKNFPALLS[Thr187Ser]GEFLKLPFER